The following is an entry in ClinVar:

ClinVar aggregate classification (germline): Likely pathogenic (1 of 4 stars; one submission).

Conditions:
Muscular dystrophy-dystroglycanopathy (congenital with brain and eye anomalies), type A2. Also called: MUSCULAR DYSTROPHY-DYSTROGLYCANOPATHY (CONGENITAL WITH BRAIN AND EYE ANOMALIES), TYPE A, 2; WALKER-WARBURG SYNDROME OR MUSCLE-EYE-BRAIN DISEASE, POMT2-RELATED. Identifiers: Orphanet 588, Orphanet 899, MedGen C3150411, MONDO:0013154, OMIM 613150.

Submission:

Department of Molecular Genetics, Istishari Arab Hospital
Classification: Likely pathogenic for Muscular dystrophy-dystroglycanopathy (congenital with brain and eye anomalies), type A2. Last evaluated: 2025-06-10. Review status: criteria provided, single submitter. Criteria: ACMG Guidelines, 2015. Collection method: clinical testing. Allele origin: inherited. Inheritance: Autosomal recessive inheritance. Affected: yes.
Comment: PP1,PM2,PP3, Cosegregation was confirmed in 2 affected deceased babies from 2 different families born to consanguineous parents.

NM_013382.7(POMT2):c.1990C>T (p.His664Tyr)

Gene: POMT2 (protein O-mannosyltransferase 2; minus strand). Cytogenetic location: 14q24.3.
Variant type: single nucleotide variant.
Coding change: c.1990C>T on transcript NM_013382.7 (MANE Select); coding-DNA position 1990, C replaced by T.
Protein change: p.His664Tyr; replaces histidine 664 with tyrosine.
Molecular consequence: missense variant.
Genome position (GRCh38, 1-based): chr14:77,278,771, G>A on the plus strand (C>T on the coding strand, the complement: POMT2 is on the minus strand). VCF-style: chr14-77278771-G-A. GRCh37 (hg19) VCF-style: chr14-77745114-G-A.
Other names: p.His664Tyr; short protein forms H664Y.
Identifiers: ClinVar variation 3901849 (VCV003901849.1).